The following is an entry in ClinVar:

NM_000179.3(MSH6):c.3524C>A (p.Thr1175Asn)

Gene: MSH6 (mutS homolog 6; plus strand). Cytogenetic location: 2p16.3.
Variant type: single nucleotide variant.
Coding change: c.3524C>A on transcript NM_000179.3 (MANE Select); coding-DNA position 3524, C replaced by A.
Protein change: p.Thr1175Asn; replaces threonine 1175 with asparagine.
Molecular consequence: missense variant.
Genome position (GRCh38, 1-based): chr2:47,804,995, C>A. VCF-style: chr2-47804995-C-A. GRCh37 (hg19) VCF-style: chr2-48032134-C-A.
Other names: c.3134C>A, p.Thr1045Asn (NM_001281492.2); c.2618C>A, p.Thr873Asn (NM_001281493.2, NM_001281494.2); short protein forms T1175N, T1045N, T873N.
Identifiers: ClinVar variation 1045108 (VCV001045108.9), dbSNP rs369583604, ClinGen allele CA346760220.

ClinVar aggregate classification (germline): Uncertain significance (1 of 4 stars; one submission).

Conditions:
Hereditary nonpolyposis colorectal neoplasms. Identifiers: MedGen C0009405, MeSH D003123.

gnomAD v4.1: 1 of 1,613,944 alleles (0.000062%); highest among the groups gnomAD compares: Non-Finnish European, 0.000085%; no homozygotes.

Submission:

Labcorp Genetics (formerly Invitae), Labcorp
Classification: Uncertain significance for Hereditary nonpolyposis colorectal neoplasms. Last evaluated: 2024-07-08. Review status: criteria provided, single submitter. Criteria: Invitae Variant Classification Sherloc (09022015). Collection method: clinical testing. Allele origin: germline.
Comment: This sequence change replaces threonine, which is neutral and polar, with asparagine, which is neutral and polar, at codon 1175 of the MSH6 protein (p.Thr1175Asn). This variant is not present in population databases (gnomAD no frequency). This variant has not been reported in the literature in individuals affected with MSH6-related conditions. ClinVar contains an entry for this variant (Variation ID: 1045108). Advanced modeling of protein sequence and biophysical properties (such as structural, functional, and spatial information, amino acid conservation, physicochemical variation, residue mobility, and thermodynamic stability) has been performed at Invitae for this missense variant, however the output from this modeling did not meet the statistical confidence thresholds required to predict the impact of this variant on MSH6 protein function. In summary, the available evidence is currently insufficient to determine the role of this variant in disease. Therefore, it has been classified as a Variant of Uncertain Significance.